The following is an entry in ClinVar:

ClinVar aggregate classification (germline): Uncertain significance (1 of 4 stars; one submission).

Conditions:
Lowe syndrome (OCRL). Also called: PHOSPHATIDYLINOSITOL 4,5-BISPHOSPHATE 5-PHOSPHATASE DEFICIENCY; LOWE OCULOCEREBRORENAL SYNDROME; Oculocerebrorenal Syndrome. Identifiers: Orphanet 534, MedGen C0028860, MONDO:0010645, OMIM 309000.
Dent disease type 2. Identifiers: Orphanet 1652, Orphanet 93623, MedGen C1845167, MONDO:0010359, OMIM 300555.

Submission:

Juno Genomics, Hangzhou Juno Genomics, Inc
Classification: Uncertain significance for Dent disease type 2; Lowe syndrome. Review status: criteria provided, single submitter. Criteria: ACMG Guidelines, 2015. Collection method: clinical testing. Allele origin: germline.
Comment: Absent from controls (or at extremely low frequency if recessive) in Genome Aggregation Database.;Null variant in a gene where loss of function (LOF) is a known mechanism of disease.

NM_000276.4(OCRL):c.2115+2T>C

Gene: OCRL (OCRL inositol polyphosphate-5-phosphatase; plus strand). Cytogenetic location: Xq26.1.
Variant type: single nucleotide variant.
Coding change: c.2115+2T>C on transcript NM_000276.4 (MANE Select); the canonical splice donor site of the intron after coding-DNA position 2115, T replaced by C.
Molecular consequence: splice donor variant.
Genome position (GRCh38, 1-based): chrX:129,576,554, T>C. VCF-style: chrX-129576554-T-C. GRCh37 (hg19) VCF-style: chrX-128710531-T-C.
Other names: c.2118+2T>C (NM_001318784.2); c.2115+2T>C (NM_001587.4).
Identifiers: ClinVar variation 5019184 (VCV005019184.2).